The following is an entry in ClinVar:

ClinVar aggregate classification (germline): Uncertain significance (1 of 4 stars; one submission).

Conditions:
Fanconi anemia complementation group O. Also called: RAD51C-Related Fanconi Anemia. Identifiers: Orphanet 84, MedGen C3150653, MONDO:0013248, OMIM 613390.

Submission:

Labcorp Genetics (formerly Invitae), Labcorp
Classification: Uncertain significance for Fanconi anemia complementation group O. Last evaluated: 2025-08-01. Review status: criteria provided, single submitter. Criteria: Invitae Variant Classification Sherloc (09022015). Collection method: clinical testing. Allele origin: germline.
Comment: This sequence change replaces aspartic acid, which is acidic and polar, with asparagine, which is neutral and polar, at codon 202 of the RAD51C protein (p.Asp202Asn). This variant is not present in population databases (gnomAD no frequency). This variant has not been reported in the literature in individuals affected with RAD51C-related conditions. Invitae Evidence Modeling of protein sequence and biophysical properties (such as structural, functional, and spatial information, amino acid conservation, physicochemical variation, residue mobility, and thermodynamic stability) indicates that this missense variant is not expected to disrupt RAD51C protein function with a negative predictive value of 80%. In summary, the available evidence is currently insufficient to determine the role of this variant in disease. Therefore, it has been classified as a Variant of Uncertain Significance.

NM_058216.3(RAD51C):c.604G>A (p.Asp202Asn)

Genes: RAD51C (RAD51 paralog C; plus strand), LOC129390903 (MPRA-validated peak2919 silencer; plus strand). Cytogenetic location: 17q22.
Variant type: single nucleotide variant.
Coding change: c.604G>A on transcript NM_058216.3 (MANE Select); coding-DNA position 604, G replaced by A.
Protein change: p.Asp202Asn; replaces aspartic acid 202 with asparagine.
Molecular consequence: missense variant. On other transcripts: non-coding transcript variant (1).
Genome position (GRCh38, 1-based): chr17:58,703,228, G>A. VCF-style: chr17-58703228-G-A. GRCh37 (hg19) VCF-style: chr17-56780589-G-A.
Other names: short protein forms D202N.
Identifiers: ClinVar variation 4696684 (VCV004696684.1).